The following is an entry in ClinVar:

ClinVar aggregate classification (germline): Benign/Likely benign. Review status: criteria provided, multiple submitters, no conflicts (2 of 4 stars). 6 submissions from 6 submitters: Benign (2); Likely benign (3). 1 of the submissions does not count toward it. Last evaluated 2025-12-16.

Conditions:
Ehlers-Danlos syndrome, classic type, 1 (EDSCL1). Also called: Ehlers-Danlos syndrome, type 1; EHLERS-DANLOS SYNDROME, GRAVIS TYPE; EHLERS-DANLOS SYNDROME, SEVERE CLASSIC TYPE; EDS I; Ehlers-Danlos Syndrome, Classic Type, COL5A1-Related. Identifiers: MedGen C0268335, MONDO:0019567, OMIM 130000.
COL5A2-related disorder. Also called: COL5A2-related condition.

Allele frequency attached by ClinVar (database versions not stated): TOPMed 0.00062; 1000 Genomes Project 30x 0.00156; 1000 Genomes Project 0.00160.
gnomAD v4.1: 233 of 1,611,290 alleles (0.014%); highest among the groups gnomAD compares: African/African-American, 0.24%; 1 homozygote.

Submissions (6):

Labcorp Genetics (formerly Invitae), Labcorp
Classification: Likely benign for Ehlers-Danlos syndrome, classic type, 1. Last evaluated: 2025-12-16. Review status: criteria provided, single submitter. Criteria: Invitae Variant Classification Sherloc (09022015). Collection method: clinical testing. Allele origin: germline.

Blueprint Genetics
Classification: Likely benign. Last evaluated: 2024-08-06. Review status: criteria provided, single submitter. Criteria: ACMG Guidelines, 2015. Collection method: clinical testing. Allele origin: germline.

Women's Health and Genetics/Laboratory Corporation of America, LabCorp
Classification: Benign. Last evaluated: 2023-08-10. Review status: criteria provided, single submitter. Criteria: LabCorp Variant Classification Summary - May 2015. Collection method: clinical testing. Allele origin: germline.

GeneDx
Classification: Likely benign. Last evaluated: 2021-11-04. Review status: criteria provided, single submitter. Criteria: GeneDx Variant Classification Process June 2021. Collection method: clinical testing. Allele origin: germline. Affected: yes.

Eurofins Ntd Llc (ga)
Classification: Benign. Last evaluated: 2015-05-22. Review status: criteria provided, single submitter. Criteria: EGL Classification Definitions 2015. Collection method: clinical testing. Allele origin: germline. Observed: 1 variant allele, 1 heterozygote.

PreventionGenetics, part of Exact Sciences
Classification: Likely benign for COL5A2-related condition. Last evaluated: 2021-05-05. Review status: no assertion criteria provided. Collection method: clinical testing. Allele origin: germline. Not counted in ClinVar's aggregate classification.
Comment: This variant is classified as likely benign based on ACMG/AMP sequence variant interpretation guidelines (Richards et al. 2015 PMID: 25741868, with internal and published modifications).

NM_000393.5(COL5A2):c.1455+6G>T

Gene: COL5A2 (collagen type V alpha 2 chain; minus strand). Cytogenetic location: 2q32.2.
Variant type: single nucleotide variant.
Coding change: c.1455+6G>T on transcript NM_000393.5 (MANE Select); 6 bases into the intron after coding-DNA position 1455, G replaced by T.
Molecular consequence: intron variant.
Genome position (GRCh38, 1-based): chr2:189,066,723, C>A on the plus strand (G>T on the coding strand, the complement: COL5A2 is on the minus strand). VCF-style: chr2-189066723-C-A. GRCh37 (hg19) VCF-style: chr2-189931449-C-A.
Other names: c.1455+6G>T (NM_000393.4).
Identifiers: ClinVar variation 195650 (VCV000195650.23), dbSNP rs113512079, ClinGen allele CA201874.